The following is an entry in ClinVar:

ClinVar aggregate classification (germline): Uncertain significance. Review status: criteria provided, multiple submitters, no conflicts (2 of 4 stars). 3 submissions from 3 submitters: Uncertain significance (3). Last evaluated 2024-10-15.

Conditions:
Inborn genetic diseases. Identifiers: MedGen C0950123, MeSH D030342.

Allele frequency attached by ClinVar (database versions not stated): ExAC 0.00002; gnomAD exomes 0.00002; TOPMed 0.00003; gnomAD 0.00004; ESP Exome Variant Server 0.00008.
gnomAD v4.1: 31 of 1,611,586 alleles (0.0019%); highest among the groups gnomAD compares: Non-Finnish European, 0.0026%; no homozygotes.

Submissions (3):

Labcorp Genetics (formerly Invitae), Labcorp
Classification: Uncertain significance. Last evaluated: 2024-10-15. Review status: criteria provided, single submitter. Criteria: Invitae Variant Classification Sherloc (09022015). Collection method: clinical testing. Allele origin: germline.
Comment: This sequence change replaces threonine, which is neutral and polar, with serine, which is neutral and polar, at codon 881 of the PTPN23 protein (p.Thr881Ser). This variant is present in population databases (rs372632606, gnomAD 0.007%). This variant has not been reported in the literature in individuals affected with PTPN23-related conditions. ClinVar contains an entry for this variant (Variation ID: 1484928). Experimental studies and prediction algorithms are not available or were not evaluated, and the functional significance of this variant is currently unknown. In summary, the available evidence is currently insufficient to determine the role of this variant in disease. Therefore, it has been classified as a Variant of Uncertain Significance.

Blueprint Genetics
Classification: Uncertain significance. Last evaluated: 2024-04-09. Review status: criteria provided, single submitter. Criteria: ACMG Guidelines, 2015. Collection method: clinical testing. Allele origin: germline.

Ambry Genetics
Classification: Uncertain significance for Inborn genetic diseases. Last evaluated: 2023-09-29. Review status: criteria provided, single submitter. Criteria: Ambry Variant Classification Scheme 2023. Collection method: clinical testing. Allele origin: germline.

NM_015466.4(PTPN23):c.2642C>G (p.Thr881Ser)

Gene: PTPN23 (protein tyrosine phosphatase non-receptor type 23; plus strand). Cytogenetic location: 3p21.31.
Variant type: single nucleotide variant.
Coding change: c.2642C>G on transcript NM_015466.4 (MANE Select); coding-DNA position 2642, C replaced by G.
Protein change: p.Thr881Ser; replaces threonine 881 with serine.
Molecular consequence: missense variant.
Genome position (GRCh38, 1-based): chr3:47,410,440, C>G. VCF-style: chr3-47410440-C-G. GRCh37 (hg19) VCF-style: chr3-47451930-C-G.
Other names: c.2642C>G (NM_015466.2); c.2264C>G, p.Thr755Ser (NM_001304482.2); short protein forms T755S, T881S.
Identifiers: ClinVar variation 1484928 (VCV001484928.8), dbSNP rs372632606, ClinGen allele CA2366094.